The following is an entry in ClinVar:

NM_000535.7(PMS2):c.733_741delinsGCTGTGTTGTGAAG (p.Leu245_Pro247delinsAlaValLeuTer)

Gene: PMS2 (PMS1 homolog 2, mismatch repair system component; minus strand). Cytogenetic location: 7p22.1.
Variant type: Indel.
Coding change: c.733_741delinsGCTGTGTTGTGAAG on transcript NM_000535.7 (MANE Select); coding-DNA positions 733 to 741, CTGCCCCCT replaced by GCTGTGTTGTGAAG.
Protein change: p.Leu245_Pro247delinsAlaValLeuTer.
Molecular consequence: nonsense. On other transcripts: 5 prime UTR variant (2), non-coding transcript variant (1).
Genome position (GRCh38, 1-based): chr7:5,997,388-5,997,396, AGGGGGCAG replaced by CTTCACAACACAGC on the plus strand (CTGCCCCCT replaced by GCTGTGTTGTGAAG on the coding strand, the reverse complement: PMS2 is on the minus strand). VCF-style: chr7-5997388-AGGGGGCAG-CTTCACAACACAGC. GRCh37 (hg19) VCF-style: chr7-6037019-AGGGGGCAG-CTTCACAACACAGC.
Other names: c.328_336delinsGCTGTGTTGTGAAG, p.Leu110_Pro112delinsAlaValLeuTer (NM_001322003.2, NM_001322004.2, NM_001322005.2 and 2 more transcripts); c.733_741delinsGCTGTGTTGTGAAG, p.Leu245_Pro247delinsAlaValLeuTer (NM_001322006.2, NM_001322014.2); c.415_423delinsGCTGTGTTGTGAAG, p.Leu139_Pro141delinsAlaValLeuTer (NM_001322007.2, NM_001322008.2); c.-201_-193delinsGCTGTGTTGTGAAG (NM_001322011.2, NM_001322012.2); c.160_168delinsGCTGTGTTGTGAAG, p.Leu54_Pro56delinsAlaValLeuTer (NM_001322013.2); c.424_432delinsGCTGTGTTGTGAAG, p.Leu142_Pro144delinsAlaValLeuTer (NM_001322015.2).
Identifiers: ClinVar variation 632954 (VCV000632954.2), dbSNP rs1554301495, ClinGen allele CA913190121.

ClinVar aggregate classification (germline): Likely pathogenic (1 of 4 stars; one submission).

Conditions:
Hereditary nonpolyposis colon cancer (HNPCC). Also called: Hereditary nonpolyposis colorectal cancer; Familial nonpolyposis colon cancer; Hereditary Nonpolyposis Colorectal Cancer Syndrome. Identifiers: Orphanet 443909, MedGen C1333990, MONDO:0018630. Disease mechanism: loss of function.

Submission:

Women's Health and Genetics/Laboratory Corporation of America, LabCorp
Classification: Likely pathogenic for Hereditary nonpolyposis colon cancer. Last evaluated: 2023-11-30. Review status: criteria provided, single submitter. Criteria: LabCorp Variant Classification Summary - May 2015. Collection method: clinical testing. Allele origin: germline.
Comment: Variant summary: PMS2 c.733_741delins14 (p.Leu245AlafsX4) results in a premature termination codon, predicted to cause a truncation of the encoded protein or absence of the protein due to nonsense mediated decay, which are commonly known mechanisms for disease. Variants downstream of this position have been classified as pathogenic by our laboratory. The variant was absent in 280588 control chromosomes (gnomAD). To our knowledge, no occurrence of c.733_741delins14 in individuals affected with Hereditary Nonpolyposis Colorectal Cancer and no experimental evidence demonstrating its impact on protein function have been reported. No submitters have cited clinical-significance assessments for this variant to ClinVar after 2014. Based on the evidence outlined above, the variant was classified as likely pathogenic.